The following is an entry in ClinVar:

NM_000760.4(CSF3R):c.922C>T (p.Arg308Cys)

Gene: CSF3R (colony stimulating factor 3 receptor; minus strand). Cytogenetic location: 1p34.3.
Variant type: single nucleotide variant.
Coding change: c.922C>T on transcript NM_000760.4 (MANE Select); coding-DNA position 922, C replaced by T.
Protein change: p.Arg308Cys; replaces arginine 308 with cysteine.
Molecular consequence: missense variant.
Genome position (GRCh38, 1-based): chr1:36,472,313, G>A on the plus strand (C>T on the coding strand, the complement: CSF3R is on the minus strand). VCF-style: chr1-36472313-G-A. GRCh37 (hg19) VCF-style: chr1-36937914-G-A.
Other names: c.922C>T, p.Arg308Cys (LRG_144t1, NM_156039.3, NM_172313.3); short protein forms R308C.
Identifiers: ClinVar variation 161982 (VCV000161982.4), dbSNP rs606231473, ClinGen allele CA174931.

ClinVar aggregate classification (germline): Pathogenic/Likely pathogenic. Review status: criteria provided, multiple submitters, no conflicts (2 of 4 stars). 3 submissions from 3 submitters: Pathogenic (1); Likely pathogenic (1). 1 of the submissions does not count toward it. Last evaluated 2024-10-15.

Conditions:
Autosomal recessive severe congenital neutropenia due to CSF3R deficiency. Also called: Neutropenia, severe congenital, 7, autosomal recessive. Identifiers: Orphanet 420702, MedGen C4310764, MONDO:0014865, OMIM 617014.
Severe congenital neutropenia (SCN). Identifiers: Orphanet 42738, MedGen C1853118, MONDO:0018542.

gnomAD v4.1: 4 of 1,614,206 alleles (0.00025%); highest among the groups gnomAD compares: South Asian, 0.0011%; no homozygotes.

Submissions (3):

Labcorp Genetics (formerly Invitae), Labcorp
Classification: Likely pathogenic for Autosomal recessive severe congenital neutropenia due to CSF3R deficiency. Last evaluated: 2024-10-15. Review status: criteria provided, single submitter. Criteria: Invitae Variant Classification Sherloc (09022015). Collection method: clinical testing. Allele origin: germline.
Comment: This sequence change replaces arginine, which is basic and polar, with cysteine, which is neutral and slightly polar, at codon 308 of the CSF3R protein (p.Arg308Cys). This variant is not present in population databases (gnomAD no frequency). This missense change has been observed in individual(s) with autosomal recessive severe congenital neutropenia (PMID: 24753537, 31321910). It has also been observed to segregate with disease in related individuals. ClinVar contains an entry for this variant (Variation ID: 161982). Invitae Evidence Modeling of protein sequence and biophysical properties (such as structural, functional, and spatial information, amino acid conservation, physicochemical variation, residue mobility, and thermodynamic stability) indicates that this missense variant is expected to disrupt CSF3R protein function with a positive predictive value of 80%. Experimental studies have shown that this missense change affects CSF3R function (PMID: 24753537, 28652245). In summary, the currently available evidence indicates that the variant is pathogenic, but additional data are needed to prove that conclusively. Therefore, this variant has been classified as Likely Pathogenic.

Klein lab, Ludwig-Maximilians-University
Classification: Pathogenic for Severe congenital neutropenia. Last evaluated: 2013-06-01. Review status: criteria provided, single submitter. Criteria: Submitter's publication. Collection method: in vitro. Allele origin: germline. Inheritance: Autosomal recessive inheritance. Affected: yes. Observed: 3 variant alleles, 3 homozygotes.
Comment: Neutropenia that is unresponsive to recombinant human G-CSF treatment

OMIM
Classification: Pathogenic for NEUTROPENIA, SEVERE CONGENITAL, 7, AUTOSOMAL RECESSIVE. Last evaluated: 2014-06-12. Review status: no assertion criteria provided. Collection method: literature only. Allele origin: germline. Not counted in ClinVar's aggregate classification.

Literature cited by the submitters: PubMed 24753537 (cited by Labcorp Genetics (formerly Invitae), Labcorp and OMIM); PubMed 31321910 (cited by Labcorp Genetics (formerly Invitae), Labcorp); PubMed 28652245 (cited by Labcorp Genetics (formerly Invitae), Labcorp).